The following is an entry in ClinVar:

ClinVar aggregate classification (germline): Likely pathogenic (1 of 4 stars; one submission).

Conditions:
Familial focal epilepsy with variable foci (FPEVF). Identifiers: Orphanet 98820, MedGen C1858477, MONDO:0020310.

Submission:

Labcorp Genetics (formerly Invitae), Labcorp
Classification: Likely pathogenic for Familial focal epilepsy with variable foci. Last evaluated: 2022-09-02. Review status: criteria provided, single submitter. Criteria: Invitae Variant Classification Sherloc (09022015). Collection method: clinical testing. Allele origin: germline.
Comment: In summary, the currently available evidence indicates that the variant is pathogenic, but additional data are needed to prove that conclusively. Therefore, this variant has been classified as Likely Pathogenic. This variant has not been reported in the literature in individuals affected with DEPDC5-related conditions. This variant results in a copy number gain of the genomic region encompassing exon(s) 32-38 of the DEPDC5 gene. While the exact position of this variant cannot be determined from the data, sub-genic copy number gains are generally in tandem (PMID: 25640679). This variant is predicted to be out-of-frame, and may result in an absent or disrupted protein product. Loss-of-function variants in DEPDC5 are known to be pathogenic (PMID: 23542697, 23542701).

Literature cited by the submitters: PubMed 25640679; PubMed 23542697; PubMed 23542701.

NC_000022.10:g.(?_32253411)_(32275758_?)dup

Gene: DEPDC5 (DEP domain containing 5, GATOR1 subcomplex subunit; plus strand). Cytogenetic location: 22q12.3.
Variant type: Duplication.
Identifiers: ClinVar variation 1517012 (VCV001517012.5).